The following is an entry in ClinVar:

NM_000744.7(CHRNA4):c.1859C>T (p.Pro620Leu)

Gene: CHRNA4 (cholinergic receptor nicotinic alpha 4 subunit; minus strand). Cytogenetic location: 20q13.33.
Variant type: single nucleotide variant.
Coding change: c.1859C>T on transcript NM_000744.7 (MANE Select); coding-DNA position 1859, C replaced by T.
Protein change: p.Pro620Leu; replaces proline 620 with leucine.
Molecular consequence: missense variant. On other transcripts: non-coding transcript variant (1).
Genome position (GRCh38, 1-based): chr20:63,346,763, G>A on the plus strand (C>T on the coding strand, the complement: CHRNA4 is on the minus strand). VCF-style: chr20-63346763-G-A. GRCh37 (hg19) VCF-style: chr20-61978115-G-A.
Other names: p.P620L:CCG>CTG; c.1331C>T, p.Pro444Leu (NM_001256573.2); short protein forms P620L, P444L.
Identifiers: ClinVar variation 205055 (VCV000205055.5), dbSNP rs754340834, ClinGen allele CA313627.

ClinVar aggregate classification (germline): Uncertain significance. Review status: criteria provided, multiple submitters, no conflicts (2 of 4 stars). 2 submissions from 2 submitters: Uncertain significance (2). Last evaluated 2024-11-16.

Conditions:
Familial sleep-related hypermotor epilepsy. Also called: Autosomal Dominant Sleep-Related Hypermotor (Hyperkinetic) Epilepsy. Identifiers: Orphanet 98784, MedGen C3696898, MONDO:0000030.

Allele frequency attached by ClinVar (database versions not stated): gnomAD exomes 0.00001; TOPMed below 0.00001.
gnomAD v4.1: 8 of 1,611,352 alleles (0.0005%); highest among the groups gnomAD compares: East Asian, 0.0022%; no homozygotes.

Submissions (2):

Labcorp Genetics (formerly Invitae), Labcorp
Classification: Uncertain significance. Last evaluated: 2024-11-16. Review status: criteria provided, single submitter. Criteria: Invitae Variant Classification Sherloc (09022015). Collection method: clinical testing. Allele origin: germline.
Comment: This sequence change replaces proline, which is neutral and non-polar, with leucine, which is neutral and non-polar, at codon 620 of the CHRNA4 protein (p.Pro620Leu). This variant is present in population databases (rs754340834, gnomAD 0.002%). This variant has not been reported in the literature in individuals affected with CHRNA4-related conditions. This missense change has been observed in at least one individual who was not affected with CHRNA4-related conditions (internal data). ClinVar contains an entry for this variant (Variation ID: 205055). An algorithm developed to predict the effect of missense changes on protein structure and function (PolyPhen-2) suggests that this variant is likely to be disruptive. In summary, the available evidence is currently insufficient to determine the role of this variant in disease. Therefore, it has been classified as a Variant of Uncertain Significance.

GeneDx
Classification: Uncertain significance. Last evaluated: 2014-11-21. Review status: criteria provided, single submitter. Criteria: GeneDx Variant Classification (06012015). Collection method: clinical testing. Allele origin: germline. Affected: yes.
Comment: p.Pro620Leu (CCG>CTG): c.1859 C>T in exon 6 of the CHRNA4 gene (NM_000744.5) The P620L variant has not been published as a mutation, nor has it been reported as a benign polymorphism to our knowledge. It was not observed in approximately 6,500 individuals of European and African American ancestry in the NHLBI Exome Sequencing Project, indicating it is not a common benign variant in these populations. The P620L variant is a semi-conservative amino acid substitution, which may impact secondary protein structure as these residues differ in some properties. This substitution occurs at a position that is conserved across species, and in silico analysis predicts this variant is probably damaging to the protein structure/function. However, this amino acid substitution does not occur within the transmembrane region of the protein, where the vast majority of pathogenic missense mutations have been identified in association with epilepsy (Steinlein et al., 2010). Therefore, based on the currently available information, it is unclear whether this variant is a pathogenic mutation or a rare benign variant. The variant is found in EPILEPSY panel(s).